The following is an entry in ClinVar:

NM_001082971.2(DDC):c.629C>T (p.Pro210Leu)

Gene: DDC (dopa decarboxylase; minus strand). Cytogenetic location: 7p12.1.
Variant type: single nucleotide variant.
Coding change: c.629C>T on transcript NM_001082971.2 (MANE Select); coding-DNA position 629, C replaced by T.
Protein change: p.Pro210Leu; replaces proline 210 with leucine.
Molecular consequence: missense variant. On other transcripts: intron variant (2).
Genome position (GRCh38, 1-based): chr7:50,528,222, G>A on the plus strand (C>T on the coding strand, the complement: DDC is on the minus strand). VCF-style: chr7-50528222-G-A. GRCh37 (hg19) VCF-style: chr7-50595920-G-A.
Other names: c.629C>T, p.Pro210Leu (NM_000790.4, NM_001242890.2); c.515C>T, p.Pro172Leu (NM_001242886.2); c.395C>T, p.Pro132Leu (NM_001242888.2); c.435+9638C>T (NM_001242889.2); c.570+986C>T (NM_001242887.2); short protein forms P210L, P132L, P172L.
Identifiers: ClinVar variation 235399 (VCV000235399.50), dbSNP rs6262, ClinGen allele CA4262314.

ClinVar aggregate classification (germline): Benign/Likely benign. Review status: criteria provided, multiple submitters, no conflicts (2 of 4 stars). 13 submissions from 13 submitters: Benign (5); Likely benign (5). 3 of the submissions do not count toward it. Last evaluated 2026-01-31.

Conditions:
DDC-related disorder. Also called: DDC-related condition.
Deficiency of aromatic-L-amino-acid decarboxylase. Also called: Aromatic L-Amino Acid Decarboxylase Deficiency; Aromatic amino acid decarboxylase deficiency; AADC DEFICIENCY; DDC DEFICIENCY; DOPA DECARBOXYLASE DEFICIENCY. Identifiers: Orphanet 35708, MedGen C1291564, MONDO:0012084, OMIM 608643.

Allele frequency attached by ClinVar (database versions not stated): gnomAD exomes 0.00114 and 0.00310; ExAC 0.00390; 1000 Genomes Project 0.01278; gnomAD 0.01279 and 0.01372; ESP Exome Variant Server 0.01415; TOPMed 0.01416; 1000 Genomes Project 30x 0.01421.
gnomAD v4.1: 3,668 of 1,614,090 alleles (0.23%); highest among the groups gnomAD compares: African/African-American, 4.4%; 86 homozygotes.

Submissions (13):

Labcorp Genetics (formerly Invitae), Labcorp
Classification: Benign for Deficiency of aromatic-L-amino-acid decarboxylase. Last evaluated: 2026-01-31. Review status: criteria provided, single submitter. Criteria: Invitae Variant Classification Sherloc (09022015). Collection method: clinical testing. Allele origin: germline.

CeGaT Center for Human Genetics Tuebingen
Classification: Likely benign. Last evaluated: 2026-01-01. Review status: criteria provided, single submitter. Criteria: CeGaT Center For Human Genetics Tuebingen Variant Classification Criteria Version 2. Collection method: clinical testing. Allele origin: germline. Affected: yes. Observed: 5 variant alleles.
Comment: DDC: BP4

Mayo Clinic Laboratories, Mayo Clinic
Classification: Benign. Last evaluated: 2024-06-24. Review status: criteria provided, single submitter. Criteria: ACMG Guidelines, 2015. Collection method: clinical testing. Allele origin: germline. Observed: 5 variant alleles.
Comment: BA1_strong, BS2

Women's Health and Genetics/Laboratory Corporation of America, LabCorp
Classification: Likely benign. Last evaluated: 2021-12-10. Review status: criteria provided, single submitter. Criteria: LabCorp Variant Classification Summary - May 2015. Collection method: clinical testing. Allele origin: germline.

Fulgent Genetics
Classification: Likely benign for Deficiency of aromatic-L-amino-acid decarboxylase. Last evaluated: 2021-07-23. Review status: criteria provided, single submitter. Criteria: ACMG Guidelines, 2015. Collection method: clinical testing. Allele origin: unknown.

Mendelics
Classification: Likely benign for Deficiency of aromatic-L-amino-acid decarboxylase. Last evaluated: 2019-05-28. Review status: criteria provided, single submitter. Criteria: Mendelics Assertion Criteria 2017. Collection method: clinical testing. Allele origin: unknown.

Illumina Laboratory Services, Illumina
Classification: Benign for Deficiency of aromatic-L-amino-acid decarboxylase. Last evaluated: 2018-01-13. Review status: criteria provided, single submitter. Criteria: ICSL Variant Classification Criteria 13 December 2019. Collection method: clinical testing. Allele origin: germline.
Comment: This variant was observed in the ICSL laboratory as part of a predisposition screen in an ostensibly healthy population. It had not been previously curated by ICSL or reported in the Human Gene Mutation Database (HGMD: prior to June 1st, 2018), and was therefore a candidate for classification through an automated scoring system. Utilizing variant allele frequency, disease prevalence and penetrance estimates, and inheritance mode, an automated score was calculated to assess if this variant is too frequent to cause the disease. Based on the score and internal cut-off values, a variant classified as benign is not then subjected to further curation. The score for this variant resulted in a classification of benign for this disease.

Eurofins Ntd Llc (ga)
Classification: Benign. Last evaluated: 2016-12-01. Review status: criteria provided, single submitter. Criteria: EGL Classification Definitions 2015. Collection method: clinical testing. Allele origin: germline. Observed: 1 variant allele, 1 heterozygote.

Center for Pediatric Genomic Medicine, Children's Mercy Hospital and Clinics
Classification: Benign. Last evaluated: 2015-06-04. Review status: criteria provided, single submitter. Criteria: ACMG Guidelines, 2015. Collection method: clinical testing. Allele origin: germline.

Breakthrough Genomics
Classification: Likely benign. Review status: criteria provided, single submitter. Criteria: ACMG Guidelines, 2015. Collection method: not provided. Allele origin: germline. Inheritance: Autosomal recessive inheritance. Affected: yes.

PreventionGenetics, part of Exact Sciences
Classification: Likely benign for DDC-related condition. Last evaluated: 2024-03-27. Review status: no assertion criteria provided. Collection method: clinical testing. Allele origin: germline. Not counted in ClinVar's aggregate classification.
Comment: This variant is classified as likely benign based on ACMG/AMP sequence variant interpretation guidelines (Richards et al. 2015 PMID: 25741868, with internal and published modifications).

Clinical Genetics, Academic Medical Center
Classification: Likely benign. Review status: no assertion criteria provided. Collection method: clinical testing. Allele origin: germline. Affected: yes. Study: VKGL Data-share Consensus. Not counted in ClinVar's aggregate classification.

Laboratory of Diagnostic Genome Analysis, Leiden University Medical Center (LUMC)
Classification: Likely benign. Review status: no assertion criteria provided. Collection method: clinical testing. Allele origin: germline. Affected: yes. Study: VKGL Data-share Consensus. Not counted in ClinVar's aggregate classification.

Literature cited by the submitters: PubMed 25001633 (cited by Mayo Clinic Laboratories, Mayo Clinic); PubMed 31953134 (cited by Mayo Clinic Laboratories, Mayo Clinic); PubMed 32111562 (cited by Mayo Clinic Laboratories, Mayo Clinic); PubMed 33808712 (cited by Mayo Clinic Laboratories, Mayo Clinic); PubMed 36427457 (cited by Mayo Clinic Laboratories, Mayo Clinic).